The following is an entry in ClinVar:

NM_004415.4(DSP):c.2372T>G (p.Leu791Arg)

Gene: DSP (desmoplakin; plus strand). Cytogenetic location: 6p24.3.
Variant type: single nucleotide variant.
Coding change: c.2372T>G on transcript NM_004415.4 (MANE Select); coding-DNA position 2372, T replaced by G.
Protein change: p.Leu791Arg; replaces leucine 791 with arginine.
Molecular consequence: missense variant.
Genome position (GRCh38, 1-based): chr6:7,574,731, T>G. VCF-style: chr6-7574731-T-G. GRCh37 (hg19) VCF-style: chr6-7574964-T-G.
Other names: c.2372T>G, p.Leu791Arg (NM_001008844.3, NM_001319034.2); short protein forms L791R.
Identifiers: ClinVar variation 5035642 (VCV005035642.1).

ClinVar aggregate classification (germline): Uncertain significance (1 of 4 stars; one submission).

Conditions:
Cardiovascular phenotype. Identifiers: MedGen CN230736.

Submission:

Ambry Genetics
Classification: Uncertain significance for Cardiovascular phenotype. Last evaluated: 2026-07-07. Review status: criteria provided, single submitter. Criteria: Ambry Variant Classification Scheme 2023. Collection method: clinical testing. Allele origin: germline.
Comment: The p.L791R variant (also known as c.2372T>G), located in coding exon 17 of the DSP gene, results from a T to G substitution at nucleotide position 2372. The leucine at codon 791 is replaced by arginine, an amino acid with dissimilar properties. This amino acid position is conserved. In addition, this alteration is predicted to be deleterious by in silico analysis. Based on the available evidence, the clinical significance of this variant remains unclear.